The following is an entry in ClinVar:

ClinVar aggregate classification (germline): Benign/Likely benign. Review status: criteria provided, multiple submitters, no conflicts (2 of 4 stars). 2 submissions from 2 submitters: Benign (1); Likely benign (1). Last evaluated 2026-03-17.

Conditions:
Hereditary cancer-predisposing syndrome. Also called: Tumor predisposition; Neoplastic Syndromes, Hereditary; Hereditary neoplastic syndrome; Hereditary Cancer Syndrome. Identifiers: Orphanet 140162, MedGen C0027672, MeSH D009386, MONDO:0015356.
Pheochromocytoma/paraganglioma syndrome 3. Also called: GLOMUS TUMORS, FAMILIAL, 3; Paragangliomas 3; SDHC-Related Hereditary Paraganglioma-Pheochromocytoma Syndrome (Paragangliomas 3); SDHC-Related Hereditary Paraganglioma-Pheochromocytoma Syndrome. Identifiers: Orphanet 29072, MedGen C1854336, MONDO:0011544, OMIM 605373.

Submissions (2):

Ambry Genetics
Classification: Likely benign for Hereditary cancer-predisposing syndrome. Last evaluated: 2026-03-17. Review status: criteria provided, single submitter. Criteria: Ambry Variant Classification Scheme 2023. Collection method: clinical testing. Allele origin: germline.

Myriad Genetics, Inc.
Classification: Benign for Pheochromocytoma/paraganglioma syndrome 3. Last evaluated: 2025-03-17. Review status: criteria provided, single submitter. Criteria: Myriad Autosomal Dominant, Autosomal Recessive and X-Linked Classification Criteria (2023). Collection method: clinical testing. Allele origin: unknown.
Comment: This variant is considered benign. This variant is a silent/synonymous amino acid change and it is not expected to impact splicing.

NM_003001.5(SDHC):c.415C>T (p.Leu139=)

Gene: SDHC (succinate dehydrogenase complex subunit C; plus strand). Cytogenetic location: 1q23.3.
Variant type: single nucleotide variant.
Coding change: c.415C>T on transcript NM_003001.5 (MANE Select); coding-DNA position 415, C replaced by T.
Protein change: p.Leu139=; no amino-acid change (leucine 139 retained).
Molecular consequence: synonymous variant. On other transcripts: missense variant (3), non-coding transcript variant (1).
Genome position (GRCh38, 1-based): chr1:161,362,338, C>T. VCF-style: chr1-161362338-C-T. GRCh37 (hg19) VCF-style: chr1-161332128-C-T.
Other names: c.251C>T, p.Pro84Leu (NM_001035511.3); c.313C>T, p.Leu105= (NM_001035512.3); c.256C>T, p.Leu86= (NM_001035513.3); c.149C>T, p.Pro50Leu (NM_001278172.3); c.535C>T, p.Leu179= (NM_001407115.1); c.358C>T, p.Leu120= (NM_001407116.1); c.352C>T, p.Leu118= (NM_001407117.1); c.307C>T, p.Leu103= (NM_001407118.1); and 2 more; short protein forms P50L, P65L, P84L.
Identifiers: ClinVar variation 3904410 (VCV003904410.2).
Genomic context (GRCh38, chr1:161,362,338, plus strand): 5'-TAATGTCCTATTTACTGAAATTCCTTTTTTTTTTTTTTGCTTTGTCCACAGATGTGGGAC[C>T]TAGGAAAAGGCCTGAAGATTCCCCAGCTATACCAGTCTGGAGTGGTTGTCCTGGTTCTTA-3'
Protein context (NP_002992.1, residues 129-149): WNGIRHLMWD[Leu139=]GKGLKIPQLY